The following is an entry in ClinVar:

GRCh38/hg38 Xq28(chrX:155998122-156022206)x1

Genes: IL9R (interleukin 9 receptor; plus strand), WASIR1 (WASH and IL9R antisense RNA 1; minus strand). Cytogenetic location: Xq28.
Variant type: copy number loss.
Change: copy number 1 of chrX:155,998,122-156,022,206 (24.1 kb, GRCh38 coordinates, 1-based), cytogenetic band Xq28.
Identifiers: ClinVar variation 144127 (VCV000144127.1).

ClinVar aggregate classification (germline): Benign (1 of 4 stars; one submission).

Submission:

ISCA site 4
Classification: Benign. Last evaluated: 2011-08-12. Review status: criteria provided, single submitter. Criteria: Kaminsky et al. (Genet Med. 2011). Collection method: clinical testing. Allele origin: unknown. Affected: yes. Observed: 3 variant alleles. Clinical features observed: Abnormal facial shape (HP:0002260), Abnormality of head and neck (HP:0000152), Abnormal facial shape (HP:0001999), Bulbar palsy (HP:0001283), Developmental delay AND/OR other significant developmental or morphological phenotypes.
Comment: Copy number variation identified through the course of routine clinical cytogenomic testing in postnatal populations. Clinical assertions have been curated as described in Kaminsky et al. 2011.